The following is an entry in ClinVar:

NM_001164508.2(NEB):c.23812C>T (p.Arg7938Cys)

Genes: NEB (nebulin; minus strand), RIF1 (replication timing regulatory factor 1; plus strand). Cytogenetic location: 2q23.3.
Variant type: single nucleotide variant.
Coding change: c.23812C>T on transcript NM_001164508.2 (MANE Select); coding-DNA position 23812, C replaced by T.
Protein change: p.Arg7938Cys; replaces arginine 7938 with cysteine.
Molecular consequence: missense variant.
Genome position (GRCh38, 1-based): chr2:151,503,372, G>A on the plus strand (C>T on the coding strand, the complement: NEB is on the minus strand). VCF-style: chr2-151503372-G-A. GRCh37 (hg19) VCF-style: chr2-152359886-G-A.
Other names: c.23812C>T, p.Arg7938Cys (NM_001164507.2); c.23917C>T, p.Arg7973Cys (NM_001271208.2); c.18709C>T, p.Arg6237Cys (NM_004543.5); c.18709C>T (NM_004543.4); short protein forms R7973C, R6237C, R7938C.
Identifiers: ClinVar variation 845595 (VCV000845595.16), dbSNP rs372117694, ClinGen allele CA1906238.

ClinVar aggregate classification (germline): Conflicting classifications of pathogenicity. Review status: criteria provided, conflicting classifications (1 of 4 stars). 6 submissions from 6 submitters: Uncertain significance (4); Likely benign (1). 1 of the submissions does not count toward it. Last evaluated 2026-01-20.

Conditions:
Inborn genetic diseases. Identifiers: MedGen C0950123, MeSH D030342.
Nemaline myopathy 2 (NEM2). Also called: Nemaline myopathy 2, autosomal recessive. Identifiers: MedGen C1850569, MONDO:0009725, OMIM 256030.

Allele frequency attached by ClinVar (database versions not stated): ESP Exome Variant Server 0.00008; gnomAD 0.00009 and 0.00010; TOPMed 0.00012; gnomAD exomes 0.00013 and 0.00020; 1000 Genomes Project 30x 0.00031; ExAC 0.00037.
gnomAD v4.1: 205 of 1,611,682 alleles (0.013%); highest among the groups gnomAD compares: South Asian, 0.019%; 1 homozygote.

Submissions (6):

Labcorp Genetics (formerly Invitae), Labcorp
Classification: Likely benign for Nemaline myopathy 2. Last evaluated: 2026-01-20. Review status: criteria provided, single submitter. Criteria: Invitae Variant Classification Sherloc (09022015). Collection method: clinical testing. Allele origin: germline.

Ambry Genetics
Classification: Uncertain significance for Inborn genetic diseases. Last evaluated: 2025-06-16. Review status: criteria provided, single submitter. Criteria: Ambry Variant Classification Scheme 2023. Collection method: clinical testing. Allele origin: germline.

Blueprint Genetics
Classification: Uncertain significance. Last evaluated: 2024-10-01. Review status: criteria provided, single submitter. Criteria: ACMG Guidelines, 2015. Collection method: clinical testing. Allele origin: germline.

GeneDx
Classification: Uncertain significance. Last evaluated: 2023-08-23. Review status: criteria provided, single submitter. Criteria: GeneDx Variant Classification Process June 2021. Collection method: clinical testing. Allele origin: germline. Affected: yes.
Comment: Has not been previously published as pathogenic or benign to our knowledge; In silico analysis supports that this missense variant has a deleterious effect on protein structure/function

Revvity Omics, Revvity
Classification: Uncertain significance. Last evaluated: 2020-10-20. Review status: criteria provided, single submitter. Criteria: ACMG Guidelines, 2015. Collection method: clinical testing. Allele origin: germline.

Natera, Inc.
Classification: Uncertain significance for Nemaline myopathy type 2. Last evaluated: 2020-02-21. Review status: no assertion criteria provided. Collection method: clinical testing. Allele origin: germline. Not counted in ClinVar's aggregate classification.